The following is an entry in ClinVar:

ClinVar aggregate classification (germline): Conflicting classifications of pathogenicity. Review status: criteria provided, conflicting classifications (1 of 4 stars). 2 submissions from 2 submitters: Uncertain significance (1); Likely benign (1). Last evaluated 2023-03-23.

Conditions:
Hereditary cancer-predisposing syndrome. Also called: Hereditary Cancer Syndrome; Hereditary neoplastic syndrome; Tumor predisposition; Neoplastic Syndromes, Hereditary. Identifiers: Orphanet 140162, MedGen C0027672, MeSH D009386, MONDO:0015356.
Hereditary breast ovarian cancer syndrome. Also called: Breast and ovarian cancer; Hereditary breast and ovarian cancer syndrome; Hereditary breast and ovarian cancer syndrome (HBOC); BRCA1- and BRCA2-Associated Hereditary Breast and Ovarian Cancer; Hereditary breast and ovarian cancer; Hereditary breast and/or ovarian cancer syndrome. Identifiers: Orphanet 145, MedGen C0677776, MeSH D061325, MONDO:0003582. Disease mechanism: loss of function.

Submissions (2):

University of Washington Department of Laboratory Medicine, University of Washington
Classification: Likely benign for Hereditary cancer-predisposing syndrome. Last evaluated: 2023-03-23. Review status: criteria provided, single submitter. Criteria: Dines et al. (Genet Med. 2020). Collection method: curation. Allele origin: germline.
Comment: Missense variant in a coldspot region where missense variants are very unlikely to be pathogenic (PMID:31911673).

BRCA2 exon 11 coldspot. Reclassification based on statistical prior probability.

Labcorp Genetics (formerly Invitae), Labcorp
Classification: Uncertain significance for Hereditary breast ovarian cancer syndrome. Last evaluated: 2021-01-20. Review status: criteria provided, single submitter. Criteria: Invitae Variant Classification Sherloc (09022015). Collection method: clinical testing. Allele origin: germline.
Comment: This variant has not been reported in the literature in individuals with BRCA2-related conditions. In summary, the available evidence is currently insufficient to determine the role of this variant in disease. Therefore, it has been classified as a Variant of Uncertain Significance. Algorithms developed to predict the effect of missense changes on protein structure and function output the following: SIFT: "Deleterious"; PolyPhen-2: "Benign"; Align-GVGD: "Class C0". The arginine amino acid residue is found in multiple mammalian species, suggesting that this missense change does not adversely affect protein function. These predictions have not been confirmed by published functional studies and their clinical significance is uncertain. This variant is not present in population databases (ExAC no frequency). This sequence change replaces isoleucine with arginine at codon 1136 of the BRCA2 protein (p.Ile1136Arg). The isoleucine residue is weakly conserved and there is a moderate physicochemical difference between isoleucine and arginine.

NM_000059.4(BRCA2):c.3407T>G (p.Ile1136Arg)

Gene: BRCA2 (BRCA2 DNA repair associated; plus strand). Cytogenetic location: 13q13.1.
Variant type: single nucleotide variant.
Coding change: c.3407T>G on transcript NM_000059.4 (MANE Select); coding-DNA position 3407, T replaced by G.
Protein change: p.Ile1136Arg; replaces isoleucine 1136 with arginine.
Molecular consequence: missense variant.
Genome position (GRCh38, 1-based): chr13:32,337,762, T>G. VCF-style: chr13-32337762-T-G. GRCh37 (hg19) VCF-style: chr13-32911899-T-G.
Other names: short protein forms I1136R.
Identifiers: ClinVar variation 844445 (VCV000844445.11), dbSNP rs398122765, ClinGen allele CA387776484.